The following is an entry in ClinVar:

NM_153006.3(NAGS):c.853C>T (p.Leu285=)

Gene: NAGS (N-acetylglutamate synthase; plus strand). Cytogenetic location: 17q21.31.
Variant type: single nucleotide variant.
Coding change: c.853C>T on transcript NM_153006.3 (MANE Select); coding-DNA position 853, C replaced by T.
Protein change: p.Leu285=; no amino-acid change (leucine 285 retained).
Molecular consequence: synonymous variant.
Genome position (GRCh38, 1-based): chr17:44,006,175, C>T. VCF-style: chr17-44006175-C-T. GRCh37 (hg19) VCF-style: chr17-42083543-C-T.
Identifiers: ClinVar variation 668345 (VCV000668345.9), dbSNP rs746317425, ClinGen allele CA8595238.

ClinVar aggregate classification (germline): Likely benign. Review status: criteria provided, multiple submitters, no conflicts (2 of 4 stars). 2 submissions from 2 submitters: Likely benign (2). Last evaluated 2026-01-06.

Conditions:
Hyperammonemia, type III (NAGSD). Also called: Hyperammonemia due to N-acetylglutamate synthase deficiency. Identifiers: Orphanet 927, MedGen C0268543, MONDO:0009377, OMIM 237310.

Allele frequency attached by ClinVar (database versions not stated): gnomAD exomes below 0.00001; TOPMed below 0.00001; ExAC 0.00001; gnomAD 0.00001.
gnomAD v4.1: 2 of 1,613,320 alleles (0.00012%); highest among the groups gnomAD compares: Non-Finnish European, 0.00017%; no homozygotes.

Submissions (2):

Labcorp Genetics (formerly Invitae), Labcorp
Classification: Likely benign for Hyperammonemia, type III. Last evaluated: 2026-01-06. Review status: criteria provided, single submitter. Criteria: Invitae Variant Classification Sherloc (09022015). Collection method: clinical testing. Allele origin: germline.

GeneDx
Classification: Likely benign. Last evaluated: 2018-05-29. Review status: criteria provided, single submitter. Criteria: GeneDx Variant Classification (06012015). Collection method: clinical testing. Allele origin: germline. Affected: yes.
Comment: This variant is considered likely benign or benign based on one or more of the following criteria: it is a conservative change, it occurs at a poorly conserved position in the protein, it is predicted to be benign by multiple in silico algorithms, and/or has population frequency not consistent with disease.